The following is an entry in ClinVar:

NM_014141.6(CNTNAP2):c.3856dup (p.Met1286fs)

Gene: CNTNAP2 (contactin associated protein 2; plus strand). Cytogenetic location: 7q36.1.
Variant type: Duplication.
Coding change: c.3856dup on transcript NM_014141.6 (MANE Select); coding-DNA position 3856, one base duplicated (A; older notation c.3856dupA).
Protein change: p.Met1286fs; shifts the reading frame from methionine 1286.
Molecular consequence: frameshift variant.
Genome position (GRCh38, 1-based): chr7:148,415,476, A duplicated. VCF-style (leftmost placement, unchanged base first): chr7-148415475-C-CA. GRCh37 (hg19) VCF-style: chr7-148112567-C-CA.
Other names: short protein forms M1286fs.
Identifiers: ClinVar variation 1507874 (VCV001507874.6), dbSNP rs2116730045, ClinGen allele CA2573141835.

ClinVar aggregate classification (germline): Uncertain significance (1 of 4 stars; one submission).

Conditions:
Cortical dysplasia-focal epilepsy syndrome (PTHSL1). Also called: Pitt-Hopkins-like syndrome 1. Identifiers: Orphanet 163681, Orphanet 221150, MedGen C2750246, MONDO:0012400, OMIM 610042.

Submission:

Labcorp Genetics (formerly Invitae), Labcorp
Classification: Uncertain significance for Cortical dysplasia-focal epilepsy syndrome. Last evaluated: 2022-06-04. Review status: criteria provided, single submitter. Criteria: Invitae Variant Classification Sherloc (09022015). Collection method: clinical testing. Allele origin: germline.
Comment: In summary, the available evidence is currently insufficient to determine the role of this variant in disease. Therefore, it has been classified as a Variant of Uncertain Significance. Experimental studies and prediction algorithms are not available or were not evaluated, and the functional significance of this variant is currently unknown. ClinVar contains an entry for this variant (Variation ID: 1507874). This variant has not been reported in the literature in individuals affected with CNTNAP2-related conditions. This variant is not present in population databases (gnomAD no frequency). This sequence change creates a premature translational stop signal (p.Met1286Asnfs*38) in the CNTNAP2 gene. While this is not anticipated to result in nonsense mediated decay, it is expected to disrupt the last 46 amino acid(s) of the CNTNAP2 protein.